The following is an entry in ClinVar:

ClinVar aggregate classification (germline): Uncertain significance (1 of 4 stars; one submission).

Allele frequency attached by ClinVar (database versions not stated): gnomAD 0.00002 and 0.00003; gnomAD exomes 0.00002 and 0.00006; ExAC 0.00008; ESP Exome Variant Server 0.00008.
gnomAD v4.1: 30 of 1,614,058 alleles (0.0019%); highest among the groups gnomAD compares: Admixed American, 0.017%; no homozygotes.

Submission:

Labcorp Genetics (formerly Invitae), Labcorp
Classification: Uncertain significance. Last evaluated: 2025-01-06. Review status: criteria provided, single submitter. Criteria: Invitae Variant Classification Sherloc (09022015). Collection method: clinical testing. Allele origin: germline.
Comment: This sequence change replaces arginine, which is basic and polar, with histidine, which is basic and polar, at codon 1259 of the RUSC2 protein (p.Arg1259His). This variant is present in population databases (rs369964066, gnomAD 0.02%). This variant has not been reported in the literature in individuals affected with RUSC2-related conditions. ClinVar contains an entry for this variant (Variation ID: 1402753). An algorithm developed to predict the effect of missense changes on protein structure and function outputs the following: PolyPhen-2: "Benign". The histidine amino acid residue is found in multiple mammalian species, which suggests that this missense change does not adversely affect protein function. In summary, the available evidence is currently insufficient to determine the role of this variant in disease. Therefore, it has been classified as a Variant of Uncertain Significance.

NM_014806.5(RUSC2):c.3776G>A (p.Arg1259His)

Gene: RUSC2 (RUN and SH3 domain containing 2; plus strand). Cytogenetic location: 9p13.3.
Variant type: single nucleotide variant.
Coding change: c.3776G>A on transcript NM_014806.5 (MANE Select); coding-DNA position 3776, G replaced by A.
Protein change: p.Arg1259His; replaces arginine 1259 with histidine.
Molecular consequence: missense variant. On other transcripts: non-coding transcript variant (1).
Genome position (GRCh38, 1-based): chr9:35,560,416, G>A. VCF-style: chr9-35560416-G-A. GRCh37 (hg19) VCF-style: chr9-35560413-G-A.
Other names: c.3776G>A, p.Arg1259His (NM_001135999.2); c.1142G>A, p.Arg381His (NM_001330740.2); short protein forms R381H, R1259H.
Identifiers: ClinVar variation 1402753 (VCV001402753.4), dbSNP rs369964066, ClinGen allele CA5044240.